The following is an entry in ClinVar:

NM_198999.3(SLC26A5):c.1658G>A (p.Ser553Asn)

Gene: SLC26A5 (solute carrier family 26 member 5; minus strand). Cytogenetic location: 7q22.1.
Variant type: single nucleotide variant.
Coding change: c.1658G>A on transcript NM_198999.3 (MANE Select); coding-DNA position 1658, G replaced by A.
Protein change: p.Ser553Asn; replaces serine 553 with asparagine.
Molecular consequence: missense variant. On other transcripts: non-coding transcript variant (5), intron variant (2).
Genome position (GRCh38, 1-based): chr7:103,379,262, C>T on the plus strand (G>A on the coding strand, the complement: SLC26A5 is on the minus strand). VCF-style: chr7-103379262-C-T. GRCh37 (hg19) VCF-style: chr7-103019709-C-T.
Other names: c.1562G>A, p.Ser521Asn (NM_001167962.2, NM_001321787.2); c.1658G>A, p.Ser553Asn (NM_206883.3); c.971+18670G>A (NM_206885.3); c.1514+9746G>A (NM_206884.3); short protein forms S553N, S521N.
Identifiers: ClinVar variation 618881 (VCV000618881.10), dbSNP rs193110872, ClinGen allele CA4419441.

ClinVar aggregate classification (germline): Uncertain significance. Review status: criteria provided, multiple submitters, no conflicts (2 of 4 stars). 2 submissions from 2 submitters: Uncertain significance (2). Last evaluated 2019-09-23.

Allele frequency attached by ClinVar (database versions not stated): gnomAD 0.00001; TOPMed 0.00001; gnomAD exomes 0.00004 and 0.00006.
gnomAD v4.1: 53 of 1,610,502 alleles (0.0033%); highest among the groups gnomAD compares: South Asian, 0.04%; no homozygotes.

Submissions (2):

GeneDx
Classification: Uncertain significance. Last evaluated: 2019-09-23. Review status: criteria provided, single submitter. Criteria: GeneDx Variant Classification Process June 2021. Collection method: clinical testing. Allele origin: germline. Affected: yes.
Comment: In silico analysis, which includes protein predictors and evolutionary conservation, supports that this variant does not alter protein structure/function; Has not been previously published as pathogenic or benign to our knowledge.

ARUP Laboratories, Molecular Genetics and Genomics, ARUP Laboratories
Classification: Uncertain significance. Last evaluated: 2018-02-28. Review status: criteria provided, single submitter. Criteria: ARUP Molecular Germline Variant Investigation Process. Collection method: clinical testing. Allele origin: germline.
Comment: The SLC26A5 c.1658G>A; p.Ser553Asn variant (rs193110872), to our knowledge, is not reported in the medical literature, gene specific variation databases, nor has it been previously identified by our laboratory. This variant is listed in the genome Aggregation Database (gnomAD) with an overall population frequency of 0.006% (identified on 14 out of 246,004 chromosomes). The serine at position 553 is weakly conserved, considering 13 species, and computational analyses of the effects of the p.Ser553Asn variant on protein structure and function do not predict a deleterious effect (SIFT: tolerated, PolyPhen-2: benign). Based on the available information, the clinical significance of the p.Ser553Asn variant cannot be determined with certainty.